The following is an entry in ClinVar:

ClinVar aggregate classification (germline): Pathogenic (1 of 4 stars; one submission).

Conditions:
Intellectual developmental disorder, autosomal dominant 72 (MRD72). Identifiers: Orphanet 652487, MedGen C5830612, MONDO:0957397, OMIM 620439.

Submission:

Mendelics
Classification: Pathogenic for Intellectual developmental disorder, autosomal dominant 72. Last evaluated: 2026-03-05. Review status: criteria provided, single submitter. Criteria: ACMG Guidelines, 2015. Collection method: clinical testing. Allele origin: unknown.
Comment: Likely pathogenic/Pathogenic according to ACMG criteria.

NM_016333.4(SRRM2):c.108C>G (p.Tyr36Ter)

Gene: SRRM2 (serine/arginine repetitive matrix 2; plus strand). Cytogenetic location: 16p13.3.
Variant type: single nucleotide variant.
Coding change: c.108C>G on transcript NM_016333.4 (MANE Select); coding-DNA position 108, C replaced by G.
Protein change: p.Tyr36Ter; replaces tyrosine 36 with a stop codon.
Molecular consequence: nonsense.
Genome position (GRCh38, 1-based): chr16:2,756,472, C>G. VCF-style: chr16-2756472-C-G. GRCh37 (hg19) VCF-style: chr16-2806473-C-G.
Other names: short protein forms Y36*.
Identifiers: ClinVar variation 4813569 (VCV004813569.1).